The following is an entry in ClinVar:

ClinVar aggregate classification (germline): Benign/Likely benign. Review status: criteria provided, multiple submitters, no conflicts (2 of 4 stars). 5 submissions from 5 submitters: Benign (1); Likely benign (4). Last evaluated 2026-01-20.

Conditions:
Familial adenomatous polyposis 1 (FAP1). Also called: POLYPOSIS, ADENOMATOUS INTESTINAL; FAMILIAL ADENOMATOUS POLYPOSIS 1, ATTENUATED. Identifiers: MedGen C2713442, MONDO:0021056, OMIM 175100. Disease mechanism: loss of function.
Hereditary cancer-predisposing syndrome. Also called: Hereditary Cancer Syndrome; Neoplastic Syndromes, Hereditary; Tumor predisposition; Hereditary neoplastic syndrome. Identifiers: Orphanet 140162, MedGen C0027672, MeSH D009386, MONDO:0015356.

Allele frequency attached by ClinVar (database versions not stated): gnomAD exomes below 0.00001; TOPMed below 0.00001.
gnomAD v4.1: 2 of 1,614,182 alleles (0.00012%); highest among the groups gnomAD compares: South Asian, 0.0022%; no homozygotes.

Submissions (5):

Labcorp Genetics (formerly Invitae), Labcorp
Classification: Likely benign for Familial adenomatous polyposis 1. Last evaluated: 2026-01-20. Review status: criteria provided, single submitter. Criteria: Invitae Variant Classification Sherloc (09022015). Collection method: clinical testing. Allele origin: germline.

Myriad Genetics, Inc.
Classification: Benign for Familial adenomatous polyposis 1. Last evaluated: 2024-03-27. Review status: criteria provided, single submitter. Criteria: Myriad Autosomal Dominant, Autosomal Recessive and X-Linked Classification Criteria (2023). Collection method: clinical testing. Allele origin: unknown.
Comment: This variant is considered benign. This variant is a silent/synonymous amino acid change and it is not expected to impact splicing.

Sema4
Classification: Likely benign for Hereditary cancer-predisposing syndrome. Last evaluated: 2022-01-15. Review status: criteria provided, single submitter. Criteria: Sema4 Curation Guidelines. Collection method: curation. Allele origin: germline.

Ambry Genetics
Classification: Likely benign for Hereditary cancer-predisposing syndrome. Last evaluated: 2021-11-24. Review status: criteria provided, single submitter. Criteria: Ambry Variant Classification Scheme 2023. Collection method: clinical testing. Allele origin: germline.

Color Diagnostics, LLC DBA Color Health
Classification: Likely benign for Hereditary cancer-predisposing syndrome. Last evaluated: 2017-07-21. Review status: criteria provided, single submitter. Criteria: ACMG Guidelines, 2015. Collection method: clinical testing. Allele origin: germline.

NM_000038.6(APC):c.4827A>G (p.Pro1609=)

Gene: APC (APC regulator of Wnt signaling pathway; plus strand). Cytogenetic location: 5q22.2.
Variant type: single nucleotide variant.
Coding change: c.4827A>G on transcript NM_000038.6 (MANE Select); coding-DNA position 4827, A replaced by G.
Protein change: p.Pro1609=; no amino-acid change (proline 1609 retained).
Molecular consequence: synonymous variant.
Genome position (GRCh38, 1-based): chr5:112,840,421, A>G. VCF-style: chr5-112840421-A-G. GRCh37 (hg19) VCF-style: chr5-112176118-A-G.
Other names: c.4827A>G, p.Pro1609= (NM_001127510.3, NM_001354895.2); c.4773A>G, p.Pro1591= (NM_001127511.3); c.4881A>G, p.Pro1627= (NM_001354896.2); c.4857A>G, p.Pro1619= (NM_001354897.2); c.4752A>G, p.Pro1584= (NM_001354898.2); c.4743A>G, p.Pro1581= (NM_001354899.2); c.4704A>G, p.Pro1568= (NM_001354900.2); c.4650A>G, p.Pro1550= (NM_001354901.2); and 5 more.
Identifiers: ClinVar variation 490286 (VCV000490286.16), dbSNP rs1398360614, ClinGen allele CA446208070.
Genomic context (GRCh38, chr5:112,840,421, plus strand): 5'-TAAAGCAAAAAAGCCAGCCCAGACTGCTTCAAAATTACCTCCACCTGTGGCAAGGAAACC[A>G]AGTCAGCTGCCTGTGTACAAACTTCTACCATCACAAAACAGGTTGCAACCCCAAAAGCAT-3'
Protein context (NP_000029.2, residues 1599-1619): SKLPPPVARK[Pro1609=]SQLPVYKLLP